The following is an entry in ClinVar:

NM_001365999.1(SZT2):c.3267C>T (p.Val1089=)

Gene: SZT2 (SZT2 subunit of KICSTOR complex; plus strand). Cytogenetic location: 1p34.2.
Variant type: single nucleotide variant.
Coding change: c.3267C>T on transcript NM_001365999.1 (MANE Select); coding-DNA position 3267, C replaced by T.
Protein change: p.Val1089=; no amino-acid change (valine 1089 retained).
Molecular consequence: synonymous variant.
Genome position (GRCh38, 1-based): chr1:43,426,767, C>T. VCF-style: chr1-43426767-C-T. GRCh37 (hg19) VCF-style: chr1-43892438-C-T.
Other names: p.Val1032=; c.3096C>T, p.Val1032= (NM_015284.4).
Identifiers: ClinVar variation 416951 (VCV000416951.24), dbSNP rs147008168, ClinGen allele CA808931.
Genomic context (GRCh38, chr1:43,426,767, plus strand): 5'-CATTGTAGGTGCCGAGGGGCCACTGCTGGGGGTTCATGGGATCCCGAAGGAGCAAGCAGT[C>T]GGCAGCACCCAGGCCACAGGAGACTCCGCTTTTACTTCCCTGGTCAGCACCGATTCTTCT-3'
Protein context (NP_001352928.1, residues 1079-1099): GVHGIPKEQA[Val1089=]GSTQATGDSA

ClinVar aggregate classification (germline): Benign/Likely benign. Review status: criteria provided, multiple submitters, no conflicts (2 of 4 stars). 8 submissions from 8 submitters: Benign (5); Likely benign (2). 1 of the submissions does not count toward it. Last evaluated 2026-02-03.

Conditions:
SZT2-related disorder. Also called: SZT2-related condition.
Inborn genetic diseases. Identifiers: MedGen C0950123, MeSH D030342.
Developmental and epileptic encephalopathy, 18 (DEE18). Also called: Early infantile epileptic encephalopathy 18. Identifiers: Orphanet 369894, MedGen C3809624, MONDO:0014201, OMIM 615476.

Allele frequency attached by ClinVar (database versions not stated): ESP Exome Variant Server 0.00062; gnomAD 0.00125; TOPMed 0.00161; gnomAD exomes 0.00329; ExAC 0.00368; 1000 Genomes Project 30x 0.00609; 1000 Genomes Project 0.00639.
gnomAD v4.1: 2,235 of 1,613,708 alleles (0.14%); highest among the groups gnomAD compares: East Asian, 2.1%; 33 homozygotes.

Submissions (8):

Labcorp Genetics (formerly Invitae), Labcorp
Classification: Benign. Last evaluated: 2026-02-03. Review status: criteria provided, single submitter. Criteria: Invitae Variant Classification Sherloc (09022015). Collection method: clinical testing. Allele origin: germline.

ARUP Laboratories, Molecular Genetics and Genomics, ARUP Laboratories
Classification: Benign for Developmental and epileptic encephalopathy, 18. Last evaluated: 2025-04-08. Review status: criteria provided, single submitter. Criteria: ARUP Molecular Germline Variant Investigation Process 2024. Collection method: clinical testing. Allele origin: germline.

Genome-Nilou Lab
Classification: Benign for Developmental and epileptic encephalopathy, 18. Last evaluated: 2023-04-11. Review status: criteria provided, single submitter. Criteria: ACMG Guidelines, 2015. Collection method: clinical testing. Allele origin: germline. Affected: no.

GeneDx
Classification: Benign. Last evaluated: 2019-12-19. Review status: criteria provided, single submitter. Criteria: GeneDx Variant Classification Process June 2021. Collection method: clinical testing. Allele origin: germline. Affected: yes.

Mayo Clinic Laboratories, Mayo Clinic
Classification: Benign. Last evaluated: 2018-12-13. Review status: criteria provided, single submitter. Criteria: ACMG Guidelines, 2015. Collection method: clinical testing. Allele origin: germline. Observed: 3 variant alleles.

Ambry Genetics
Classification: Likely benign for Inborn genetic diseases. Last evaluated: 2016-06-10. Review status: criteria provided, single submitter. Criteria: Ambry Variant Classification Scheme 2023. Collection method: clinical testing. Allele origin: germline.

Breakthrough Genomics
Classification: Likely benign. Review status: criteria provided, single submitter. Criteria: ACMG Guidelines, 2015. Collection method: not provided. Allele origin: germline. Inheritance: Autosomal recessive inheritance. Affected: yes.

PreventionGenetics, part of Exact Sciences
Classification: Benign for SZT2-related condition. Last evaluated: 2019-08-09. Review status: no assertion criteria provided. Collection method: clinical testing. Allele origin: germline. Not counted in ClinVar's aggregate classification.
Comment: This variant is classified as benign based on ACMG/AMP sequence variant interpretation guidelines (Richards et al. 2015 PMID: 25741868, with internal and published modifications).